The following is an entry in ClinVar:

NM_005912.3(MC4R):c.-9_-7del

Gene: MC4R (melanocortin 4 receptor; minus strand). Cytogenetic location: 18q21.32.
Variant type: Deletion.
Coding change: c.-9_-7del on transcript NM_005912.3 (MANE Select); 9 bases upstream of the start codon through 7 bases upstream of the start codon, 3 bases deleted (CCT; older notation c.-9_-7delCCT).
Molecular consequence: 5 prime UTR variant.
Genome position (GRCh38, 1-based): chr18:60,372,356-60,372,358, AGG deleted on the plus strand (CCT on the coding strand, the reverse complement: MC4R is on the minus strand); deleting any 3 consecutive bases within chr18:60,372,356-60,372,360 gives the same sequence; the c. name uses the placement nearest the transcript's 3' end. VCF-style (leftmost placement, unchanged base first): chr18-60372355-CAGG-C. GRCh37 (hg19) VCF-style: chr18-58039588-CAGG-C.
Identifiers: ClinVar variation 4985044 (VCV004985044.1).
Genomic context (GRCh38, chr18:60,372,355, plus strand): 5'-TGCGGTTCCAGAGGTGCAGAGAAGTGTGCATCCCACGGTGGGTGGAGTTCACCATGCTGG[CAGG>C]AGAATTCCAGTGTCCCCCTGAATTGATTTAACCTCCTGGGTCAGGGAGTCGTCTCAGTTA-3'

ClinVar aggregate classification (germline): Likely benign (1 of 4 stars; one submission).

Conditions:
MC4R-related disorder. Also called: MC4R-related condition.

Submission:

PreventionGenetics, part of Exact Sciences
Classification: Likely benign for MC4R-related condition. Last evaluated: 2025-04-08. Review status: criteria provided, single submitter. Criteria: ACMG Guidelines, 2015. Collection method: clinical testing. Allele origin: germline.
Comment: This variant is classified as likely benign based on ACMG/AMP sequence variant interpretation guidelines (Richards et al. 2015 PMID: 25741868, with internal and published modifications).